The following is an entry in ClinVar:

NM_000093.5(COL5A1):c.1724C>T (p.Pro575Leu)

Gene: COL5A1 (collagen type V alpha 1 chain; plus strand). Cytogenetic location: 9q34.3.
Variant type: single nucleotide variant.
Coding change: c.1724C>T on transcript NM_000093.5 (MANE Select); coding-DNA position 1724, C replaced by T.
Protein change: p.Pro575Leu; replaces proline 575 with leucine.
Molecular consequence: missense variant.
Genome position (GRCh38, 1-based): chr9:134,753,854, C>T. VCF-style: chr9-134753854-C-T. GRCh37 (hg19) VCF-style: chr9-137645700-C-T.
Other names: c.1724C>T, p.Pro575Leu (NM_001278074.1); short protein forms P575L.
Identifiers: ClinVar variation 1702203 (VCV001702203.5), dbSNP rs1192447986, ClinGen allele CA375444770.

ClinVar aggregate classification (germline): Uncertain significance. Review status: criteria provided, multiple submitters, no conflicts (2 of 4 stars). 2 submissions from 2 submitters: Uncertain significance (2). Last evaluated 2025-05-01.

Conditions:
Ehlers-Danlos syndrome, classic type, 1 (EDSCL1). Also called: EDS I; Ehlers-Danlos syndrome, type 1; EHLERS-DANLOS SYNDROME, GRAVIS TYPE; EHLERS-DANLOS SYNDROME, SEVERE CLASSIC TYPE; Ehlers-Danlos Syndrome, Classic Type, COL5A1-Related. Identifiers: MedGen C0268335, MONDO:0019567, OMIM 130000.
Ehlers-Danlos syndrome (EDS). Identifiers: Orphanet 98249, MedGen C0013720, MONDO:0020066.

gnomAD v4.1: 2 of 1,613,298 alleles (0.00012%); highest among the groups gnomAD compares: Non-Finnish European, 0.00017%; no homozygotes.

Submissions (2):

Labcorp Genetics (formerly Invitae), Labcorp
Classification: Uncertain significance for Ehlers-Danlos syndrome, classic type, 1. Last evaluated: 2025-05-01. Review status: criteria provided, single submitter. Criteria: Invitae Variant Classification Sherloc (09022015). Collection method: clinical testing. Allele origin: germline.
Comment: This sequence change replaces proline, which is neutral and non-polar, with leucine, which is neutral and non-polar, at codon 575 of the COL5A1 protein (p.Pro575Leu). This variant is not present in population databases (gnomAD no frequency). This variant has not been reported in the literature in individuals affected with COL5A1-related conditions. ClinVar contains an entry for this variant (Variation ID: 1702203). Invitae Evidence Modeling of protein sequence and biophysical properties (such as structural, functional, and spatial information, amino acid conservation, physicochemical variation, residue mobility, and thermodynamic stability) indicates that this missense variant is not expected to disrupt COL5A1 protein function with a negative predictive value of 95%. In summary, the available evidence is currently insufficient to determine the role of this variant in disease. Therefore, it has been classified as a Variant of Uncertain Significance.

Genome Diagnostics Laboratory, The Hospital for Sick Children
Classification: Uncertain significance for Ehlers-Danlos syndrome. Last evaluated: 2021-06-14. Review status: criteria provided, single submitter. Criteria: ACMG Guidelines, 2015. Collection method: clinical testing. Allele origin: germline.